The following is an entry in ClinVar:

NM_145064.3(STAC3):c.170G>A (p.Gly57Asp)

Gene: STAC3 (SH3 and cysteine rich domain 3; minus strand). Cytogenetic location: 12q13.3.
Variant type: single nucleotide variant.
Coding change: c.170G>A on transcript NM_145064.3 (MANE Select); coding-DNA position 170, G replaced by A.
Protein change: p.Gly57Asp; replaces glycine 57 with aspartic acid.
Molecular consequence: missense variant. On other transcripts: intron variant (1).
Genome position (GRCh38, 1-based): chr12:57,249,205, C>T on the plus strand (G>A on the coding strand, the complement: STAC3 is on the minus strand). VCF-style: chr12-57249205-C-T. GRCh37 (hg19) VCF-style: chr12-57642988-C-T.
Other names: c.53G>A, p.Gly18Asp (NM_001286256.2); c.-126-1007G>A (NM_001286257.2); c.170G>A (NM_145064.1); short protein forms G18D, G57D.
Identifiers: ClinVar variation 2154968 (VCV002154968.5), dbSNP rs1027548586, ClinGen allele CA385417580.

ClinVar aggregate classification (germline): Uncertain significance. Review status: criteria provided, multiple submitters, no conflicts (2 of 4 stars). 2 submissions from 2 submitters: Uncertain significance (2). Last evaluated 2025-08-21.

Conditions:
Inborn genetic diseases. Identifiers: MedGen C0950123, MeSH D030342.
Bailey-Bloch congenital myopathy (CMYO13). Also called: STAC3 disorder; Congenital myopathy 13; Native American myopathy. Identifiers: Orphanet 168572, MedGen C1850625, MONDO:0009722, OMIM 255995.

Submissions (2):

Ambry Genetics
Classification: Uncertain significance for Inborn genetic diseases. Last evaluated: 2025-08-21. Review status: criteria provided, single submitter. Criteria: Ambry Variant Classification Scheme 2023. Collection method: clinical testing. Allele origin: germline.

Labcorp Genetics (formerly Invitae), Labcorp
Classification: Uncertain significance for Bailey-Bloch congenital myopathy. Last evaluated: 2022-10-17. Review status: criteria provided, single submitter. Criteria: Invitae Variant Classification Sherloc (09022015). Collection method: clinical testing. Allele origin: germline.
Comment: This variant is present in population databases (no rsID available, gnomAD 0.002%). This sequence change replaces glycine, which is neutral and non-polar, with aspartic acid, which is acidic and polar, at codon 57 of the STAC3 protein (p.Gly57Asp). This variant has not been reported in the literature in individuals affected with STAC3-related conditions. Advanced modeling of protein sequence and biophysical properties (such as structural, functional, and spatial information, amino acid conservation, physicochemical variation, residue mobility, and thermodynamic stability) performed at Invitae indicates that this missense variant is not expected to disrupt STAC3 protein function. In summary, the available evidence is currently insufficient to determine the role of this variant in disease. Therefore, it has been classified as a Variant of Uncertain Significance.